The following is an entry in ClinVar:

ClinVar aggregate classification (germline): Pathogenic (1 of 4 stars; one submission).

Conditions:
Hereditary cancer-predisposing syndrome. Also called: Hereditary neoplastic syndrome; Hereditary Cancer Syndrome; Neoplastic Syndromes, Hereditary; Tumor predisposition. Identifiers: Orphanet 140162, MedGen C0027672, MeSH D009386, MONDO:0015356.

Submission:

Labcorp Genetics (formerly Invitae), Labcorp
Classification: Pathogenic for Hereditary cancer-predisposing syndrome. Last evaluated: 2023-10-20. Review status: criteria provided, single submitter. Criteria: Invitae Variant Classification Sherloc (09022015). Collection method: clinical testing. Allele origin: germline.
Comment: This sequence change creates a premature translational stop signal (p.Lys815Serfs*5) in the RAD50 gene. It is expected to result in an absent or disrupted protein product. Loss-of-function variants in RAD50 are known to be pathogenic (PMID: 19409520). This variant is not present in population databases (gnomAD no frequency). This variant has not been reported in the literature in individuals affected with RAD50-related conditions. Algorithms developed to predict the effect of sequence changes on RNA splicing suggest that this variant may disrupt the consensus splice site. For these reasons, this variant has been classified as Pathogenic.

Literature cited by the submitters: PubMed 19409520.

NM_005732.4(RAD50):c.2444del (p.Lys815fs)

Gene: RAD50 (RAD50 double strand break repair protein; plus strand). Cytogenetic location: 5q31.1.
Variant type: Deletion.
Coding change: c.2444del on transcript NM_005732.4 (MANE Select); coding-DNA position 2444, one base deleted (A; older notation c.2444delA).
Protein change: p.Lys815fs; shifts the reading frame from lysine 815.
Molecular consequence: frameshift variant.
Genome position (GRCh38, 1-based): chr5:132,603,966, A deleted; the last of 2 consecutive A bases (chr5:132,603,965-132,603,966); deleting either gives the same sequence. VCF-style (leftmost placement, unchanged base first): chr5-132603964-TA-T. GRCh37 (hg19) VCF-style: chr5-131939656-TA-T.
Other names: short protein forms K815fs.
Identifiers: ClinVar variation 2770234 (VCV002770234.3), dbSNP rs2479666189, ClinGen allele CA2697546484.